The following is an entry in ClinVar:

ClinVar aggregate classification (germline): Uncertain significance. Review status: criteria provided, single submitter (1 of 4 stars). 3 submissions from 3 submitters: Uncertain significance (1). 2 of the submissions do not count toward it. Last evaluated 2022-08-24.

Allele frequency attached by ClinVar (database versions not stated): gnomAD exomes 0.00001 and 0.00002; TOPMed 0.00002; ExAC 0.00003.
gnomAD v4.1: 25 of 1,613,608 alleles (0.0015%); highest among the groups gnomAD compares: Middle Eastern, 0.016%; 2 homozygotes.

Submissions (3):

Labcorp Genetics (formerly Invitae), Labcorp
Classification: Uncertain significance. Last evaluated: 2022-08-24. Review status: criteria provided, single submitter. Criteria: Invitae Variant Classification Sherloc (09022015). Collection method: clinical testing. Allele origin: germline.
Comment: ClinVar contains an entry for this variant (Variation ID: 1175164). This variant has not been reported in the literature in individuals affected with COL4A2-related conditions. This variant is present in population databases (rs761162868, gnomAD 0.01%). This sequence change replaces serine, which is neutral and polar, with phenylalanine, which is neutral and non-polar, at codon 1689 of the COL4A2 protein (p.Ser1689Phe). Advanced modeling of protein sequence and biophysical properties (such as structural, functional, and spatial information, amino acid conservation, physicochemical variation, residue mobility, and thermodynamic stability) performed at Invitae indicates that this missense variant is not expected to disrupt COL4A2 protein function. In summary, the available evidence is currently insufficient to determine the role of this variant in disease. Therefore, it has been classified as a Variant of Uncertain Significance.

Clinical Genetics DNA and cytogenetics Diagnostics Lab, Erasmus MC, Erasmus Medical Center
Classification: Uncertain significance. Review status: no assertion criteria provided. Collection method: clinical testing. Allele origin: germline. Affected: yes. Study: VKGL Data-share Consensus. Not counted in ClinVar's aggregate classification.

Diagnostic Laboratory, Department of Genetics, University Medical Center Groningen
Classification: Uncertain significance. Review status: no assertion criteria provided. Collection method: clinical testing. Allele origin: germline. Affected: yes. Study: VKGL Data-share Consensus. Not counted in ClinVar's aggregate classification.

NM_001846.4(COL4A2):c.5066C>T (p.Ser1689Phe)

Gene: COL4A2 (collagen type IV alpha 2 chain; plus strand). Cytogenetic location: 13q34.
Variant type: single nucleotide variant.
Coding change: c.5066C>T on transcript NM_001846.4 (MANE Select); coding-DNA position 5066, C replaced by T.
Protein change: p.Ser1689Phe; replaces serine 1689 with phenylalanine.
Molecular consequence: missense variant.
Genome position (GRCh38, 1-based): chr13:110,512,118, C>T. VCF-style: chr13-110512118-C-T. GRCh37 (hg19) VCF-style: chr13-111164465-C-T.
Other names: short protein forms S1689F.
Identifiers: ClinVar variation 1175164 (VCV001175164.10), dbSNP rs761162868, ClinGen allele CA7050762.